The following is an entry in ClinVar:

ClinVar aggregate classification (germline): Conflicting classifications of pathogenicity. Review status: criteria provided, conflicting classifications (1 of 4 stars). 3 submissions from 3 submitters: Uncertain significance (1); Likely benign (2). Last evaluated 2026-06-22.

Conditions:
Hereditary cancer-predisposing syndrome. Also called: Tumor predisposition; Hereditary neoplastic syndrome; Neoplastic Syndromes, Hereditary; Hereditary Cancer Syndrome. Identifiers: Orphanet 140162, MedGen C0027672, MeSH D009386, MONDO:0015356.
Familial cancer of breast. Also called: Hereditary breast cancer; hereditary breast carcinoma; BREAST CANCER, FAMILIAL. Identifiers: Orphanet 227535, MedGen C0346153, MONDO:0016419, OMIM 114480. Disease mechanism: loss of function.

Submissions (3):

Ambry Genetics
Classification: Likely benign for Hereditary cancer-predisposing syndrome. Last evaluated: 2026-06-22. Review status: criteria provided, single submitter. Criteria: Ambry Variant Classification Scheme 2023. Collection method: clinical testing. Allele origin: germline.

Myriad Genetics, Inc.
Classification: Likely benign for Familial cancer of breast. Last evaluated: 2023-12-06. Review status: criteria provided, single submitter. Criteria: Myriad Autosomal Dominant, Autosomal Recessive and X-Linked Classification Criteria (2023). Collection method: clinical testing. Allele origin: unknown.
Comment: This variant is considered likely benign. This variant has been observed in trans with a known pathogenic variant in one or more individuals lacking clinical features consistent with gene-specific recessive disease.

Labcorp Genetics (formerly Invitae), Labcorp
Classification: Uncertain significance for Familial cancer of breast. Last evaluated: 2022-07-19. Review status: criteria provided, single submitter. Criteria: Invitae Variant Classification Sherloc (09022015). Collection method: clinical testing. Allele origin: germline.
Comment: This variant is not present in population databases (gnomAD no frequency). In summary, the available evidence is currently insufficient to determine the role of this variant in disease. Therefore, it has been classified as a Variant of Uncertain Significance. Algorithms developed to predict the effect of missense changes on protein structure and function are either unavailable or do not agree on the potential impact of this missense change (SIFT: "Tolerated"; PolyPhen-2: "Probably Damaging"; Align-GVGD: "Class C0"). ClinVar contains an entry for this variant (Variation ID: 845621). This variant has not been reported in the literature in individuals affected with PALB2-related conditions. This sequence change replaces serine, which is neutral and polar, with phenylalanine, which is neutral and non-polar, at codon 97 of the PALB2 protein (p.Ser97Phe).

NM_024675.4(PALB2):c.290C>T (p.Ser97Phe)

Gene: PALB2 (partner and localizer of BRCA2; minus strand). Cytogenetic location: 16p12.2.
Variant type: single nucleotide variant.
Coding change: c.290C>T on transcript NM_024675.4 (MANE Select); coding-DNA position 290, C replaced by T.
Protein change: p.Ser97Phe; replaces serine 97 with phenylalanine.
Molecular consequence: missense variant.
Genome position (GRCh38, 1-based): chr16:23,636,256, G>A on the plus strand (C>T on the coding strand, the complement: PALB2 is on the minus strand). VCF-style: chr16-23636256-G-A. GRCh37 (hg19) VCF-style: chr16-23647577-G-A.
Other names: short protein forms S97F.
Identifiers: ClinVar variation 845621 (VCV000845621.12), dbSNP rs776902295, ClinGen allele CA395138819.
Genomic context (GRCh38, chr16:23,636,256, plus strand): 5'-GGTAATCCTCCTGGGCCATCTCCAGGGTTAAAGGACTCAGGCCCAACATCAAGTGTGATA[G>A]ATGTCTTTTCTCCAGTTTCTTCATCAAGATGGGTTTTGATGTGTAACTTGTCATAAACAC-3'
Protein context (NP_078951.2, residues 87-107): HLDEETGEKT[Ser97Phe]ITLDVGPESF